The following is an entry in ClinVar:

NM_000294.3(PHKG2):c.905_909del (p.Leu302fs)

Gene: PHKG2 (phosphorylase kinase catalytic subunit gamma 2; plus strand). Cytogenetic location: 16p11.2.
Variant type: Deletion.
Coding change: c.905_909del on transcript NM_000294.3 (MANE Select); coding-DNA positions 905 to 909, 5 bases deleted (TCACC; older notation c.905_909delTCACC).
Protein change: p.Leu302fs; shifts the reading frame from leucine 302.
Molecular consequence: frameshift variant.
Genome position (GRCh38, 1-based): chr16:30,756,693-30,756,697, TCACC deleted; deleting any 5 consecutive bases within chr16:30,756,690-30,756,697 gives the same sequence; the c. name uses the placement nearest the transcript's 3' end. VCF-style (leftmost placement, unchanged base first): chr16-30756689-AACCTC-A. GRCh37 (hg19) VCF-style: chr16-30768010-AACCTC-A.
Other names: c.905_909del, p.Leu302fs (NM_001172432.2); short protein forms L302fs.
Identifiers: ClinVar variation 2769867 (VCV002769867.3), dbSNP rs2543470895, ClinGen allele CA2632771768.

ClinVar aggregate classification (germline): Pathogenic (1 of 4 stars; one submission).

Conditions:
Glycogen storage disease IXc (GSD9C). Also called: GSD IXc. Identifiers: Orphanet 264580, MedGen C2751643, MONDO:0013091, OMIM 613027.

Submission:

Labcorp Genetics (formerly Invitae), Labcorp
Classification: Pathogenic for Glycogen storage disease IXc. Last evaluated: 2023-10-25. Review status: criteria provided, single submitter. Criteria: Invitae Variant Classification Sherloc (09022015). Collection method: clinical testing. Allele origin: germline.
Comment: This sequence change creates a premature translational stop signal (p.Leu302Profs*85) in the PHKG2 gene. While this is not anticipated to result in nonsense mediated decay, it is expected to disrupt the last 105 amino acid(s) of the PHKG2 protein. This variant is not present in population databases (gnomAD no frequency). This variant has not been reported in the literature in individuals affected with PHKG2-related conditions. This variant disrupts a region of the PHKG2 protein in which other variant(s) (p.Arg320Aspfs*5) have been determined to be pathogenic (PMID: 35549678). This suggests that this is a clinically significant region of the protein, and that variants that disrupt it are likely to be disease-causing. For these reasons, this variant has been classified as Pathogenic.

Literature cited by the submitters: PubMed 35549678.